The following is an entry in ClinVar:

ClinVar aggregate classification (germline): Uncertain significance (1 of 4 stars; one submission).

gnomAD v4.1: 3 of 1,613,902 alleles (0.00019%); highest among the groups gnomAD compares: South Asian, 0.0011%; no homozygotes.

Submission:

Women's Health and Genetics/Laboratory Corporation of America, LabCorp
Classification: Uncertain significance. Last evaluated: 2025-10-20. Review status: criteria provided, single submitter. Criteria: LabCorp Variant Classification Summary - May 2015. Collection method: clinical testing. Allele origin: germline.
Comment: Variant summary: AEBP1 c.2897C>T (p.Thr966Ile) results in a non-conservative amino acid change in the encoded protein sequence. Algorithms developed to predict the effect of missense changes on protein structure and function are either unavailable or do not agree on the potential impact of this missense change. The variant was absent in 251204 control chromosomes. The available data on variant occurrences in the general population are insufficient to allow any conclusion about variant significance. To our knowledge, no occurrence of c.2897C>T in individuals affected with AEBP1-related conditions and no experimental evidence demonstrating its impact on protein function have been reported. No submitters have cited clinical-significance assessments for this variant to ClinVar. Based on the evidence outlined above, the variant was classified as uncertain significance.

NM_001129.5(AEBP1):c.2897C>T (p.Thr966Ile)

Gene: AEBP1 (AE binding protein 1; plus strand). Cytogenetic location: 7p13.
Variant type: single nucleotide variant.
Coding change: c.2897C>T on transcript NM_001129.5 (MANE Select); coding-DNA position 2897, C replaced by T.
Protein change: p.Thr966Ile; replaces threonine 966 with isoleucine.
Molecular consequence: missense variant.
Genome position (GRCh38, 1-based): chr7:44,113,681, C>T. VCF-style: chr7-44113681-C-T. GRCh37 (hg19) VCF-style: chr7-44153280-C-T.
Other names: short protein forms T966I.
Identifiers: ClinVar variation 4687157 (VCV004687157.1).
Genomic context (GRCh38, chr7:44,113,681, plus strand): 5'-TGAACCCGGGTGAGTACCGCGTGACAGCCCACGCGGAGGGCTACACCCCGAGCGCCAAGA[C>T]CTGCAATGTTGACTATGACATCGGGGCCACTCAGTGCAACTTCATCCTGGCTCGCTCCAA-3'
Protein context (NP_001120.3, residues 956-976): HAEGYTPSAK[Thr966Ile]CNVDYDIGAT